The following is an entry in ClinVar:

NM_000238.4(KCNH2):c.1853C>T (p.Thr618Ile)

Gene: KCNH2 (potassium voltage-gated channel subfamily H member 2; minus strand). Cytogenetic location: 7q36.1.
Variant type: single nucleotide variant.
Coding change: c.1853C>T on transcript NM_000238.4 (MANE Select); coding-DNA position 1853, C replaced by T.
Protein change: p.Thr618Ile; replaces threonine 618 with isoleucine.
Molecular consequence: missense variant.
Genome position (GRCh38, 1-based): chr7:150,951,540, G>A on the plus strand (C>T on the coding strand, the complement: KCNH2 is on the minus strand). VCF-style: chr7-150951540-G-A. GRCh37 (hg19) VCF-style: chr7-150648628-G-A.
Other names: c.1853C>T (LRG_288t1); c.833C>T, p.Thr278Ile (NM_001204798.2, NM_172057.3); c.1565C>T, p.Thr522Ile (NM_001406753.1, NM_001406756.1); c.1676C>T, p.Thr559Ile (NM_001406755.1); c.1553C>T, p.Thr518Ile (NM_001406757.1); c.1853C>T, p.Thr618Ile (NM_172056.3); short protein forms T278I, T618I, T559I, T518I, T522I.
Identifiers: ClinVar variation 67297 (VCV000067297.10), dbSNP rs199472947, ClinGen allele CA005690.

ClinVar aggregate classification (germline): Pathogenic. Review status: criteria provided, multiple submitters, no conflicts (2 of 4 stars). 3 submissions from 3 submitters: Pathogenic (2). 1 of the submissions does not count toward it. Last evaluated 2023-11-27.

Conditions:
Long QT syndrome (LQTS). Identifiers: MedGen C0023976, MeSH D008133, MONDO:0002442. Disease mechanism: loss of function. Inheritance: Various modes of inheritance.
Cardiovascular phenotype. Identifiers: MedGen CN230736.
Short QT syndrome. Also called: Familial short QT syndrome. Identifiers: Orphanet 51083, MedGen C2348199, MONDO:0000453.

Submissions (3):

Labcorp Genetics (formerly Invitae), Labcorp
Classification: Pathogenic for Long QT syndrome. Last evaluated: 2023-11-27. Review status: criteria provided, single submitter. Criteria: Invitae Variant Classification Sherloc (09022015). Collection method: clinical testing. Allele origin: germline.
Comment: This sequence change replaces threonine, which is neutral and polar, with isoleucine, which is neutral and non-polar, at codon 618 of the KCNH2 protein (p.Thr618Ile). This variant is not present in population databases (gnomAD no frequency). This missense change has been observed in individuals with short QT syndrome (PMID: 21130771; Invitae). It has also been observed to segregate with disease in related individuals. ClinVar contains an entry for this variant (Variation ID: 67297). An algorithm developed to predict the effect of missense changes on protein structure and function (PolyPhen-2) suggests that this variant is likely to be disruptive. Experimental studies have shown that this missense change affects KCNH2 function (PMID: 21130771, 23300672, 23471968). For these reasons, this variant has been classified as Pathogenic.

Ambry Genetics
Classification: Pathogenic for Cardiovascular phenotype. Last evaluated: 2017-09-01. Review status: criteria provided, single submitter. Criteria: Ambry Variant Classification Scheme 2023. Collection method: clinical testing. Allele origin: germline.
Comment: The p.T618I pathogenic mutation (also known as c.1853C>T), located in coding exon 7 of the KCNH2 gene, results from a C to T substitution at nucleotide position 1853. The threonine at codon 618 is replaced by isoleucine, an amino acid with similar properties. This alteration has been reported in multiple cases of short QT syndrome (SQTS) and has segregated with SQTS in multiple families, many of which had significant histories of arrhythmia and sudden death (Sun Y et al. J Mol Cell Cardiol. 2011;50:433-41; Mazzanti A et al. J Am Coll Cardiol. 2014;63:1300-8; Giustetto C et al. HeartRhythm Case Rep. 2015;1:373-378; Harrell DT et al. Int. J Cardiol. 2015;190:393-402; Hu D et al. JACC Clinical Electrophysiology. 2017;3(7)727-743). In addition, in vitro functional studies have reported this alteration to result in altered channel function, suggesting a gain of function effect (Lees-Miller JP et al. Biophys J. 2009;96:3600-10; Sun Y et al. J Mol Cell Cardiol. 2011;50:433-41; El Harchi A et al. PLoS ONE. 2012;7:e52451; Hu D et al. JACC Clinical Electrophysiology. 2017;3(7)727-743). Based on the supporting evidence, this alteration is interpreted as a disease-causing mutation.

Cardiovascular Biomedical Research Unit, Royal Brompton & Harefield NHS Foundation Trust
No classification provided. Condition: Short QT syndrome. Review status: no classification provided. Collection method: literature only. Allele origin: germline. Not counted in ClinVar's aggregate classification.
Comment: This variant has been reported as associated with Short QT syndrome in the following publications (PMID:21130771). This is a literature report, and does not necessarily reflect the clinical interpretation of the Imperial College / Royal Brompton Cardiovascular Genetics laboratory.

Literature cited by the submitters: PubMed 21130771 (cited by 3 submitters); PubMed 23300672 (cited by Labcorp Genetics (formerly Invitae), Labcorp and Ambry Genetics); PubMed 23471968 (cited by Labcorp Genetics (formerly Invitae), Labcorp and Ambry Genetics); PubMed 19413965 (cited by Ambry Genetics); PubMed 19926013 (cited by Ambry Genetics); PubMed 21798421 (cited by Ambry Genetics); PubMed 24291113 (cited by Ambry Genetics); PubMed 25974115 (cited by Ambry Genetics); PubMed 28491588 (cited by Ambry Genetics); PubMed 22581653 (cited by Cardiovascular Biomedical Research Unit, Royal Brompton & Harefield NHS Foundation Trust).